The following is an entry in ClinVar:

NM_000304.4(PMP22):c.245T>C (p.Leu82Pro)

Gene: PMP22 (peripheral myelin protein 22; minus strand). Cytogenetic location: 17p12.
Variant type: single nucleotide variant.
Coding change: c.245T>C on transcript NM_000304.4 (MANE Select); coding-DNA position 245, T replaced by C.
Protein change: p.Leu82Pro; replaces leucine 82 with proline.
Molecular consequence: missense variant. On other transcripts: non-coding transcript variant (2).
Genome position (GRCh38, 1-based): chr17:15,239,545, A>G on the plus strand (T>C on the coding strand, the complement: PMP22 is on the minus strand). VCF-style: chr17-15239545-A-G. GRCh37 (hg19) VCF-style: chr17-15142862-A-G.
Other names: c.245T>C, p.Leu82Pro (NM_001281455.2, NM_001281456.2, NM_001330143.2 and 2 more transcripts); short protein forms L82P.
Identifiers: ClinVar variation 235779 (VCV000235779.9), dbSNP rs878853113, ClinGen allele CA10581428.
Genomic context (GRCh38, chr17:15,239,545, plus strand): 5'-AAGATTCCAGTGATGTAAAACCTGCCCCCCTTGGTGAGGGTGAAGAGTTGGCAGAAGAAC[A>G]GGAACAGAGACAGAATGCTGAAGATGATCGACAGGATCATGGTGGCCTGGACAGACTGCA-3'
Protein context (NP_000295.1, residues 72-92): SIIFSILSLF[Leu82Pro]FFCQLFTLTK

ClinVar aggregate classification (germline): Conflicting classifications of pathogenicity. Review status: criteria provided, conflicting classifications (1 of 4 stars). 3 submissions from 3 submitters: Pathogenic (1); Likely pathogenic (1); Uncertain significance (1). Last evaluated 2019-12-31.

Conditions:
Charcot-Marie-Tooth disease, type I (CMT1). Also called: Charcot-Marie-Tooth, Type 1; Charcot-Marie-Tooth disease type 1. Identifiers: Orphanet 65753, MedGen C0751036, MONDO:0019011.

Submissions (3):

Labcorp Genetics (formerly Invitae), Labcorp
Classification: Uncertain significance for Charcot-Marie-Tooth disease, type I. Last evaluated: 2019-12-31. Review status: criteria provided, single submitter. Criteria: Invitae Variant Classification Sherloc (09022015). Collection method: clinical testing. Allele origin: germline.
Comment: Algorithms developed to predict the effect of missense changes on protein structure and function (SIFT, PolyPhen-2, Align-GVGD) all suggest that this variant is likely to be disruptive, but these predictions have not been confirmed by published functional studies and their clinical significance is uncertain. This sequence change replaces leucine with proline at codon 82 of the PMP22 protein (p.Leu82Pro). The leucine residue is highly conserved and there is a moderate physicochemical difference between leucine and proline. This variant is not present in population databases (ExAC no frequency). This variant has not been reported in the literature in individuals with PMP22-related conditions. ClinVar contains an entry for this variant (Variation ID: 235779). In summary, the available evidence is currently insufficient to determine the role of this variant in disease. Therefore, it has been classified as a Variant of Uncertain Significance.

GeneDx
Classification: Pathogenic. Last evaluated: 2016-06-13. Review status: criteria provided, single submitter. Criteria: GeneDx Variant Classification (06012015). Collection method: clinical testing. Allele origin: germline. Affected: yes.
Comment: The L82P pathogenic variant in the PMP22 gene has been reported previously as a de novo variant in an individual with Charcot-Marie-Tooth disease type 1E (Kim et al., 2016). The L82P variant was not observed in approximately 6,500 individuals of European and African American ancestry in the NHLBI Exome Sequencing Project, indicating it is not a common benign variant in these populations. The L82P variant is a semi-conservative amino acid substitution, which may impact secondary protein structure as these residues differ in some properties. This substitution occurs at a position that is not conserved. However, in silico analysis predicts this variant is probably damaging to the protein structure/function. Missense variants in nearby residues (L78P, S79T, S79P, S79C, L80R, L80P) have been reported in the Human Gene Mutation Database in association with Charcot-Marie-Tooth disease or Dejerine-Sottas disease (Stenson et al., 2014), supporting the functional importance of this region of the protein. We interpret L82P as a pathogenic variant.

Center for Pediatric Genomic Medicine, Children's Mercy Hospital and Clinics
Classification: Likely pathogenic. Last evaluated: 2015-03-20. Review status: criteria provided, single submitter. Criteria: ACMG Guidelines, 2015. Collection method: clinical testing. Allele origin: de novo.